The following is an entry in ClinVar:

ClinVar aggregate classification (germline): Uncertain significance (1 of 4 stars; one submission).

Submission:

Ambry Genetics
Classification: Uncertain significance. Last evaluated: 2025-11-02. Review status: criteria provided, single submitter. Criteria: Ambry Variant Classification Scheme 2023. Collection method: clinical testing. Allele origin: germline.
Comment: The p.A222S variant (also known as c.664G>T), located in coding exon 3 of the PALLD gene, results from a G to T substitution at nucleotide position 664. The alanine at codon 222 is replaced by serine, an amino acid with similar properties. This amino acid position is conserved. In addition, the in silico prediction for this alteration is inconclusive. Based on the available evidence, the clinical significance of this variant remains unclear.

NM_001166108.2(PALLD):c.2125G>T (p.Ala709Ser)

Genes: CBR4 (carbonyl reductase 4; minus strand), PALLD (palladin, cytoskeletal associated protein; plus strand). Cytogenetic location: 4q32.3.
Variant type: single nucleotide variant.
Coding change: c.2125G>T on transcript NM_001166108.2 (MANE Select); coding-DNA position 2125, G replaced by T.
Protein change: p.Ala709Ser; replaces alanine 709 with serine.
Molecular consequence: missense variant.
Genome position (GRCh38, 1-based): chr4:168,894,603, G>T. VCF-style: chr4-168894603-G-T. GRCh37 (hg19) VCF-style: chr4-169815754-G-T.
Other names: c.979G>T, p.Ala327Ser (NM_001166109.2); c.664G>T, p.Ala222Ser (NM_001166110.2); c.4G>T, p.Ala2Ser (NM_001367567.1, NM_001367568.1, NM_001367569.1 and 1 more transcripts); c.2125G>T, p.Ala709Ser (NM_016081.4); short protein forms A222S, A2S, A327S, A709S.
Identifiers: ClinVar variation 4564168 (VCV004564168.1).